The following is an entry in ClinVar:

NM_004208.4(AIFM1):c.-165G>A

Genes: RAB33A (RAB33A, member RAS oncogene family; plus strand), AIFM1 (apoptosis inducing factor mitochondria associated 1; minus strand), LOC130068679 (ATAC-STARR-seq lymphoblastoid active region 29939; plus strand). Cytogenetic location: Xq26.1.
Variant type: single nucleotide variant.
Coding change: c.-165G>A on transcript NM_004208.4 (MANE Select); 165 bases upstream of the start codon, G replaced by A.
Molecular consequence: 5 prime UTR variant. On other transcripts: non-coding transcript variant (1).
Genome position (GRCh38, 1-based): chrX:130,165,821, C>T on the plus strand (G>A on the coding strand, the complement: AIFM1 is on the minus strand). VCF-style: chrX-130165821-C-T. GRCh37 (hg19) VCF-style: chrX-129299795-C-T.
Other names: c.-165G>A (NM_001130847.4, NM_145812.3).
Identifiers: ClinVar variation 367896 (VCV000367896.5), dbSNP rs759015293, ClinGen allele CA10653780.

ClinVar aggregate classification (germline): Benign (1 of 4 stars; one submission).

Conditions:
Severe X-linked mitochondrial encephalomyopathy. Also called: ENCEPHALOMYOPATHY, MITOCHONDRIAL, X-LINKED. Identifiers: Orphanet 238329, MedGen C3151753, MONDO:0010437, OMIM 300816.

Allele frequency attached by ClinVar (database versions not stated): 1000 Genomes Project 30x 0.00062; 1000 Genomes Project 0.00079; gnomAD exomes 0.00084; gnomAD 0.00086 and 0.00092; TOPMed 0.00125.
gnomAD v4.1: 472 of 516,943 alleles (0.091%); highest among the groups gnomAD compares: African/African-American, 0.16%; 2 homozygotes.

Submission:

Illumina Laboratory Services, Illumina
Classification: Benign for Severe X-linked mitochondrial encephalomyopathy. Last evaluated: 2018-01-13. Review status: criteria provided, single submitter. Criteria: ICSL Variant Classification Criteria 13 December 2019. Collection method: clinical testing. Allele origin: germline.
Comment: This variant was observed in the ICSL laboratory as part of a predisposition screen in an ostensibly healthy population. It had not been previously curated by ICSL or reported in the Human Gene Mutation Database (HGMD: prior to June 1st, 2018), and was therefore a candidate for classification through an automated scoring system. Utilizing variant allele frequency, disease prevalence and penetrance estimates, and inheritance mode, an automated score was calculated to assess if this variant is too frequent to cause the disease. Based on the score and internal cut-off values, a variant classified as benign is not then subjected to further curation. The score for this variant resulted in a classification of benign for this disease.